The following is an entry in ClinVar:

ClinVar aggregate classification (germline): Uncertain significance (1 of 4 stars; one submission).

Conditions:
Baller-Gerold syndrome (BGS). Also called: CRANIOSYNOSTOSIS WITH RADIAL DEFECTS. Identifiers: Orphanet 1225, MedGen C0265308, MONDO:0009039, OMIM 218600.

gnomAD v4.1: 1 of 1,612,456 alleles (0.000062%); highest among the groups gnomAD compares: Non-Finnish European, 0.000085%; no homozygotes.

Submission:

Labcorp Genetics (formerly Invitae), Labcorp
Classification: Uncertain significance for Baller-Gerold syndrome. Last evaluated: 2019-03-11. Review status: criteria provided, single submitter. Criteria: Invitae Variant Classification Sherloc (09022015). Collection method: clinical testing. Allele origin: germline.
Comment: This sequence change replaces aspartic acid with glutamic acid at codon 1053 of the RECQL4 protein (p.Asp1053Glu). The aspartic acid residue is moderately conserved and there is a small physicochemical difference between aspartic acid and glutamic acid. This variant is not present in population databases (ExAC no frequency). This variant has not been reported in the literature in individuals with RECQL4-related conditions. Algorithms developed to predict the effect of missense changes on protein structure and function output the following: SIFT: "Tolerated"; PolyPhen-2: "Benign"; Align-GVGD: "Class C0". The glutamic acid amino acid residue is found in multiple mammalian species, suggesting that this missense change does not adversely affect protein function. These predictions have not been confirmed by published functional studies and their clinical significance is uncertain. In summary, the available evidence is currently insufficient to determine the role of this variant in disease. Therefore, it has been classified as a Variant of Uncertain Significance.

NM_004260.4(RECQL4):c.3159C>G (p.Asp1053Glu)

Gene: RECQL4 (RecQ like helicase 4; minus strand). Cytogenetic location: 8q24.3.
Variant type: single nucleotide variant.
Coding change: c.3159C>G on transcript NM_004260.4 (MANE Select); coding-DNA position 3159, C replaced by G.
Protein change: p.Asp1053Glu; replaces aspartic acid 1053 with glutamic acid.
Molecular consequence: missense variant.
Genome position (GRCh38, 1-based): chr8:144,512,221, G>C on the plus strand (C>G on the coding strand, the complement: RECQL4 is on the minus strand). VCF-style: chr8-144512221-G-C. GRCh37 (hg19) VCF-style: chr8-145737604-G-C.
Other names: short protein forms D1053E.
Identifiers: ClinVar variation 835564 (VCV000835564.5), dbSNP rs763131728, ClinGen allele CA372670160.